The following is an entry in ClinVar:

ClinVar aggregate classification (germline): Uncertain significance (1 of 4 stars; one submission).

Conditions:
Cardiovascular phenotype. Identifiers: MedGen CN230736.

gnomAD v4.1: 2 of 1,549,802 alleles (0.00013%); highest among the groups gnomAD compares: African/African-American, 0.0027%; no homozygotes.

Submission:

Ambry Genetics
Classification: Uncertain significance for Cardiovascular phenotype. Last evaluated: 2026-06-20. Review status: criteria provided, single submitter. Criteria: Ambry Variant Classification Scheme 2023. Collection method: clinical testing. Allele origin: germline.
Comment: The p.A2904S variant (also known as c.8710G>T), located in coding exon 2 of the ZNF469 gene, results from a G to T substitution at nucleotide position 8710. The alanine at codon 2904 is replaced by serine, an amino acid with similar properties. This amino acid position is conserved. In addition, this alteration is predicted to be tolerated by in silico analysis. Based on the available evidence, the clinical significance of this variant remains unclear.

NM_001367624.2(ZNF469):c.8794G>T (p.Ala2932Ser)

Gene: ZNF469 (zinc finger protein 469; plus strand). Cytogenetic location: 16q24.2.
Variant type: single nucleotide variant.
Coding change: c.8794G>T on transcript NM_001367624.2 (MANE Select); coding-DNA position 8794, G replaced by T.
Protein change: p.Ala2932Ser; replaces alanine 2932 with serine.
Molecular consequence: missense variant.
Genome position (GRCh38, 1-based): chr16:88,436,264, G>T. VCF-style: chr16-88436264-G-T. GRCh37 (hg19) VCF-style: chr16-88502672-G-T.
Other names: NM_001127464.1:c.8710G>T; short protein forms A2932S.
Identifiers: ClinVar variation 5032192 (VCV005032192.1).